The following is an entry in ClinVar:

ClinVar aggregate classification (germline): Uncertain significance (1 of 4 stars; one submission).

Submission:

Ambry Genetics
Classification: Uncertain significance. Last evaluated: 2024-07-31. Review status: criteria provided, single submitter. Criteria: Ambry Variant Classification Scheme 2023. Collection method: clinical testing. Allele origin: germline.
Comment: The p.I148T variant (also known as c.443T>C), located in coding exon 6 of the RAD54L gene, results from a T to C substitution at nucleotide position 443. The isoleucine at codon 148 is replaced by threonine, an amino acid with similar properties. This amino acid position is conserved. In addition, the in silico prediction for this alteration is inconclusive. Based on the available evidence, the clinical significance of this variant remains unclear.

NM_003579.4(RAD54L):c.443T>C (p.Ile148Thr)

Gene: RAD54L (RAD54 like; plus strand). Cytogenetic location: 1p34.1.
Variant type: single nucleotide variant.
Coding change: c.443T>C on transcript NM_003579.4 (MANE Select); coding-DNA position 443, T replaced by C.
Protein change: p.Ile148Thr; replaces isoleucine 148 with threonine.
Molecular consequence: missense variant. On other transcripts: 5 prime UTR variant (1).
Genome position (GRCh38, 1-based): chr1:46,260,577, T>C. VCF-style: chr1-46260577-T-C. GRCh37 (hg19) VCF-style: chr1-46726249-T-C.
Other names: c.443T>C, p.Ile148Thr (NM_001142548.2); c.-98T>C (NM_001370766.1); short protein forms I148T.
Identifiers: ClinVar variation 3429774 (VCV003429774.1).